The following is an entry in ClinVar:

NM_138477.4(CDAN1):c.3269-10C>T

Gene: CDAN1 (codanin 1; minus strand). Cytogenetic location: 15q15.2.
Variant type: single nucleotide variant.
Coding change: c.3269-10C>T on transcript NM_138477.4 (MANE Select); 10 bases into the intron before coding-DNA position 3269, C replaced by T.
Molecular consequence: intron variant.
Genome position (GRCh38, 1-based): chr15:42,725,680, G>A on the plus strand (C>T on the coding strand, the complement: CDAN1 is on the minus strand). VCF-style: chr15-42725680-G-A. GRCh37 (hg19) VCF-style: chr15-43017878-G-A.
Identifiers: ClinVar variation 3031302 (VCV003031302.2), dbSNP rs770486048, ClinGen allele CA7515193.

ClinVar aggregate classification (germline): Likely benign (0 of 4 stars; one submission).

Conditions:
CDAN1-related disorder. Also called: CDAN1-related condition.

Allele frequency attached by ClinVar (database versions not stated): TOPMed below 0.00001; ExAC 0.00002.
gnomAD v4.1: 39 of 1,613,966 alleles (0.0024%); highest among the groups gnomAD compares: South Asian, 0.027%; no homozygotes.

Submission:

PreventionGenetics, part of Exact Sciences
Classification: Likely benign for CDAN1-related condition. Last evaluated: 2020-12-17. Review status: no assertion criteria provided. Collection method: clinical testing. Allele origin: germline.
Comment: This variant is classified as likely benign based on ACMG/AMP sequence variant interpretation guidelines (Richards et al. 2015 PMID: 25741868, with internal and published modifications).